The following is an entry in ClinVar:

NM_000091.5(COL4A3):c.1575+4A>G

Genes: COL4A3 (collagen type IV alpha 3 chain; plus strand), MFF-DT (MFF divergent transcript; minus strand). Cytogenetic location: 2q36.3.
Variant type: single nucleotide variant.
Coding change: c.1575+4A>G on transcript NM_000091.5 (MANE Select); 4 bases into the intron after coding-DNA position 1575, A replaced by G.
Molecular consequence: intron variant.
Genome position (GRCh38, 1-based): chr2:227,269,984, A>G. VCF-style: chr2-227269984-A-G. GRCh37 (hg19) VCF-style: chr2-228134700-A-G.
Identifiers: ClinVar variation 3234033 (VCV003234033.1), dbSNP rs2469677864, ClinGen allele CA2577264931.

ClinVar aggregate classification (germline): Uncertain significance (1 of 4 stars; one submission).

Conditions:
Autosomal dominant Alport syndrome (ATS3A). Also called: Alport syndrome dominant type; Renal failure and sensorineural hearing loss; ALPORT SYNDROME 3A, AUTOSOMAL DOMINANT. Identifiers: Orphanet 63, Orphanet 88918, MedGen C5882663, MONDO:0007086, OMIM 104200.

Allele frequency attached by ClinVar (database versions not stated): gnomAD exomes below 0.00001.
gnomAD v4.1: 4 of 1,612,748 alleles (0.00025%); highest among the groups gnomAD compares: Non-Finnish European, 0.00034%; no homozygotes.

Submission:

MVZ Medizinische Genetik Mainz
Classification: Uncertain significance for Autosomal dominant Alport syndrome. Last evaluated: 2024-01-16. Review status: criteria provided, single submitter. Criteria: UK Practice Guidelines For Variant Classification V4 01 2020. Collection method: clinical testing. Allele origin: germline. Inheritance: Autosomal recessive inheritance. Affected: yes. Observed: 1 variant allele.
Comment: ACMG Criteria: PM2_SUP,PM3_SUP,PP3,PP4